The following is an entry in ClinVar:

ClinVar aggregate classification (germline): Uncertain significance (1 of 4 stars; one submission).

Submission:

Labcorp Genetics (formerly Invitae), Labcorp
Classification: Uncertain significance. Last evaluated: 2022-07-07. Review status: criteria provided, single submitter. Criteria: Invitae Variant Classification Sherloc (09022015). Collection method: clinical testing. Allele origin: germline.
Comment: This sequence change replaces arginine, which is basic and polar, with histidine, which is basic and polar, at codon 807 of the TBCK protein (p.Arg807His). This variant is present in population databases (rs767308208, gnomAD 0.0009%). This variant has not been reported in the literature in individuals affected with TBCK-related conditions. ClinVar contains an entry for this variant (Variation ID: 1500278). Algorithms developed to predict the effect of missense changes on protein structure and function are either unavailable or do not agree on the potential impact of this missense change (SIFT: "Deleterious"; PolyPhen-2: "Possibly Damaging"; Align-GVGD: "Class C0"). Algorithms developed to predict the effect of sequence changes on RNA splicing suggest that this variant may create or strengthen a splice site. In summary, the available evidence is currently insufficient to determine the role of this variant in disease. Therefore, it has been classified as a Variant of Uncertain Significance.

NM_001163435.3(TBCK):c.2420G>A (p.Arg807His)

Gene: TBCK (TBC1 domain containing kinase; minus strand). Cytogenetic location: 4q24.
Variant type: single nucleotide variant.
Coding change: c.2420G>A on transcript NM_001163435.3 (MANE Select); coding-DNA position 2420, G replaced by A.
Protein change: p.Arg807His; replaces arginine 807 with histidine.
Molecular consequence: missense variant.
Genome position (GRCh38, 1-based): chr4:106,095,633, C>T on the plus strand (G>A on the coding strand, the complement: TBCK is on the minus strand). VCF-style: chr4-106095633-C-T. GRCh37 (hg19) VCF-style: chr4-107016790-C-T.
Other names: c.2420G>A, p.Arg807His (NM_001163436.4); c.2303G>A, p.Arg768His (NM_001163437.3); c.1904G>A, p.Arg635His (NM_001290768.2); c.2231G>A, p.Arg744His (NM_033115.5); short protein forms R768H, R807H, R635H, R744H.
Identifiers: ClinVar variation 1500278 (VCV001500278.3), dbSNP rs767308208, ClinGen allele CA103412769.
Genomic context (GRCh38, chr4:106,095,633, plus strand): 5'-TCCCCTTCTGCAGTGAAGGCAGCACTGAATGGAATGTTGATGCTTCCTGAAATGTGACCA[C>T]GAATAAAGCTGAGAAGGAAAGTTTAAGGAAAACATTTATTTGTGTGCAATCCTGAGTGTC-3'
Protein context (NP_001156907.2, residues 797-817): VDIRNSEDFI[Arg807His]GHISGSINIP